The following is an entry in ClinVar:

ClinVar aggregate classification (germline): Pathogenic/Likely pathogenic. Review status: criteria provided, multiple submitters, no conflicts (2 of 4 stars). 4 submissions from 4 submitters: Pathogenic (1); Likely pathogenic (2). 1 of the submissions does not count toward it. Last evaluated 2026-01-18.

Conditions:
Hereditary spastic paraplegia 35. Also called: LEUKODYSTROPHY, DYSMYELINATING, AND SPASTIC PARAPARESIS WITH OR WITHOUT DYSTONIA; Spastic paraplegia 35, autosomal recessive; Spastic paraplegia 35; SPASTIC PARAPLEGIA 35, AUTOSOMAL RECESSIVE, WITH OR WITHOUT NEURODEGENERATION. Identifiers: Orphanet 171629, MedGen C3496228, MONDO:0012866, OMIM 612319.

Allele frequency attached by ClinVar (database versions not stated): gnomAD exomes below 0.00001.
gnomAD v4.1: 1 of 1,459,306 alleles (0.000069%); highest among the groups gnomAD compares: Non-Finnish European, 0.00009%; no homozygotes.

Submissions (4):

3billion
Classification: Likely pathogenic for Hereditary spastic paraplegia 35. Last evaluated: 2026-01-18. Review status: criteria provided, single submitter. Criteria: ACMG Guidelines, 2015. Collection method: clinical testing. Allele origin: germline. Affected: yes.
Comment: The variant is observed at an extremely low frequency in the gnomAD v4.1.0 dataset (total allele frequency: <0.001%). Predicted Consequence/Location: Missense variant Functional studies provide moderate evidence of the variant having a damaging effect on the gene or gene product (PMID: 19068277). In silico tool predictions suggest damaging effect of the variant on gene or gene product [REVEL: 0.94 (>=0.6, sensitivity 0.68 and specificity 0.92); 3Cnet: 0.74 (> 0.75, sensitivity 0.96 and precision 0.92)]. The same nucleotide change resulting in the same amino acid change has been previously reported to be associated with FA2H-related disorder (ClinVar ID: VCV000001044 /PMID: 19068277).The variant has been reported to co-segregate with the disease in at least one similarly affected relative/individual in the same family or similarly affected unrelated families (PMID: 19068277). Therefore, this variant is classified as Likely pathogenic according to the recommendation of ACMG/AMP guideline.

Revvity Omics, Revvity
Classification: Likely pathogenic for Hereditary spastic paraplegia 35. Last evaluated: 2022-09-06. Review status: criteria provided, single submitter. Criteria: ACMG Guidelines, 2015. Collection method: clinical testing. Allele origin: germline.

Breakthrough Genomics
Classification: Pathogenic for Hereditary spastic paraplegia 35. Last evaluated: 2020-01-30. Review status: criteria provided, single submitter. Criteria: ACMG Guidelines, 2015. Collection method: clinical testing. Allele origin: germline. Affected: yes.
Comment: This variant is predicted to be damaging by in-silico missense prediction tools (SIFT and Polyphen2). In-vitro functional studies revealed that the cells harboring the p.Asp35Tyr variant exhibited a significant reduction in endogenous FA2H enzymatic activity when compared to wild type cells suggesting its loss-of-function [PMID: 19068277].

OMIM
Classification: Pathogenic for SPASTIC PARAPLEGIA 35, AUTOSOMAL RECESSIVE. Last evaluated: 2008-11-01. Review status: no assertion criteria provided. Collection method: literature only. Allele origin: germline. Not counted in ClinVar's aggregate classification.

Literature cited by the submitters: PubMed 19068277 (cited by 3billion and OMIM).

NM_024306.5(FA2H):c.103G>T (p.Asp35Tyr)

Genes: FA2H (fatty acid 2-hydroxylase; minus strand), LOC130059394 (ATAC-STARR-seq lymphoblastoid silent region 7701; plus strand). Cytogenetic location: 16q23.1.
Variant type: single nucleotide variant.
Coding change: c.103G>T on transcript NM_024306.5 (MANE Select); coding-DNA position 103, G replaced by T.
Protein change: p.Asp35Tyr; replaces aspartic acid 35 with tyrosine.
Molecular consequence: missense variant.
Genome position (GRCh38, 1-based): chr16:74,774,653, C>A on the plus strand (G>T on the coding strand, the complement: FA2H is on the minus strand). VCF-style: chr16-74774653-C-A. GRCh37 (hg19) VCF-style: chr16-74808551-C-A.
Other names: c.103G>T (NM_024306.4); short protein forms D35Y.
Identifiers: ClinVar variation 1044 (VCV000001044.10), dbSNP rs121918217, ClinGen allele CA251671.